The following is an entry in ClinVar:

NM_022132.5(MCCC2):c.1366G>C (p.Ala456Pro)

Gene: MCCC2 (methylcrotonyl-CoA carboxylase subunit 2; plus strand). Cytogenetic location: 5q13.2.
Variant type: single nucleotide variant.
Coding change: c.1366G>C on transcript NM_022132.5 (MANE Select); coding-DNA position 1366, G replaced by C.
Protein change: p.Ala456Pro; replaces alanine 456 with proline.
Molecular consequence: missense variant.
Genome position (GRCh38, 1-based): chr5:71,649,246, G>C. VCF-style: chr5-71649246-G-C. GRCh37 (hg19) VCF-style: chr5-70945073-G-C.
Other names: c.1252G>C, p.Ala418Pro (NM_001363147.1); short protein forms A418P, A456P.
Identifiers: ClinVar variation 2119835 (VCV002119835.4), dbSNP rs2530858303, ClinGen allele CA359998318.

ClinVar aggregate classification (germline): Likely pathogenic (1 of 4 stars; one submission).

Conditions:
3-methylcrotonyl-CoA carboxylase 2 deficiency. Also called: 3 alpha methylcrotonyl-CoA carboxylase 2 deficiency; 3 alpha methylcrotonylglycinuria 2; MCC 2 deficiency; Methylcrotonylglycinuria type 2; METHYLCROTONYLGLYCINURIA, TYPE II. Identifiers: Orphanet 6, MedGen C1859499, MONDO:0008862, OMIM 210210.

Submission:

Labcorp Genetics (formerly Invitae), Labcorp
Classification: Likely pathogenic for 3-methylcrotonyl-CoA carboxylase 2 deficiency. Last evaluated: 2022-04-01. Review status: criteria provided, single submitter. Criteria: Invitae Variant Classification Sherloc (09022015). Collection method: clinical testing. Allele origin: germline.
Comment: This variant disrupts the p.Ala456 amino acid residue in MCCC2. Other variant(s) that disrupt this residue have been determined to be pathogenic (PMID: 16010683, 22642865). This suggests that this residue is clinically significant, and that variants that disrupt this residue are likely to be disease-causing. Advanced modeling of protein sequence and biophysical properties (such as structural, functional, and spatial information, amino acid conservation, physicochemical variation, residue mobility, and thermodynamic stability) performed at Invitae indicates that this missense variant is expected to disrupt MCCC2 protein function. This variant has not been reported in the literature in individuals affected with MCCC2-related conditions. This variant is not present in population databases (gnomAD no frequency). This sequence change replaces alanine, which is neutral and non-polar, with proline, which is neutral and non-polar, at codon 456 of the MCCC2 protein (p.Ala456Pro). In summary, the currently available evidence indicates that the variant is pathogenic, but additional data are needed to prove that conclusively. Therefore, this variant has been classified as Likely Pathogenic.

Literature cited by the submitters: PubMed 16010683; PubMed 22642865.